The following is an entry in ClinVar:

ClinVar aggregate classification (germline): Uncertain significance (1 of 4 stars; one submission).

Conditions:
Megalencephaly-polymicrogyria-polydactyly-hydrocephalus syndrome 3 (MPPH3). Identifiers: Orphanet 83473, MedGen C4014742, MONDO:0014408, OMIM 615938.

Submission:

MVZ Medizinische Genetik Mainz
Classification: Uncertain significance for Megalencephaly-polymicrogyria-polydactyly-hydrocephalus syndrome 3. Last evaluated: 2022-09-01. Review status: criteria provided, single submitter. Criteria: UK Practice Guidelines For Variant Classification V4 01 2020. Collection method: clinical testing. Allele origin: germline. Inheritance: Unknown mechanism. Affected: yes. Observed: 2 variant alleles.
Comment: ACMG Criteria: PVS1_STR,PM2_SUP

NM_001759.4(CCND2):c.196-1G>A

Genes: CCND2 (cyclin D2; plus strand), CCND2-AS1 (CCND2 antisense RNA 1; minus strand). Cytogenetic location: 12p13.32.
Variant type: single nucleotide variant.
Coding change: c.196-1G>A on transcript NM_001759.4 (MANE Select); the canonical splice acceptor site of the intron before coding-DNA position 196, G replaced by A.
Molecular consequence: splice acceptor variant.
Genome position (GRCh38, 1-based): chr12:4,276,004, G>A. VCF-style: chr12-4276004-G-A. GRCh37 (hg19) VCF-style: chr12-4385170-G-A.
Identifiers: ClinVar variation 3066255 (VCV003066255.1), dbSNP rs2120522349, ClinGen allele CA383661870.